The following is an entry in ClinVar:

NM_000320.3(QDPR):c.523del (p.Ala175fs)

Gene: QDPR (quinoid dihydropteridine reductase; minus strand). Cytogenetic location: 4p15.32.
Variant type: Deletion.
Coding change: c.523del on transcript NM_000320.3 (MANE Select); coding-DNA position 523, one base deleted (G; older notation c.523delG).
Protein change: p.Ala175fs; shifts the reading frame from alanine 175.
Molecular consequence: frameshift variant.
Genome position (GRCh38, 1-based): chr4:17,492,254, C deleted on the plus strand (G on the coding strand, the reverse complement: QDPR is on the minus strand); the first of 4 consecutive C bases (chr4:17,492,254-17,492,257); deleting any one gives the same sequence. VCF-style (leftmost placement, unchanged base first): chr4-17492253-GC-G. GRCh37 (hg19) VCF-style: chr4-17493876-GC-G.
Other names: c.430del, p.Ala144fs (NM_001306140.2); short protein forms A144fs, A175fs.
Identifiers: ClinVar variation 2752602 (VCV002752602.4), dbSNP rs2474658353, ClinGen allele CA2697557074.

ClinVar aggregate classification (germline): Pathogenic. Review status: criteria provided, multiple submitters, no conflicts (2 of 4 stars). 2 submissions from 2 submitters: Pathogenic (2). Last evaluated 2026-01-13.

Conditions:
Dihydropteridine reductase deficiency (HPABH4C). Also called: BH4-Deficient Hyperphenylalaninemia C; Phenylketonuria II; HYPERPHENYLALANINEMIA, TETRAHYDROBIOPTERIN-DEFICIENT, DUE TO DHPR DEFICIENCY; Hyperphenylalaninemia due to dihydropteridine reductase deficiency; Hyperphenylalaninemia, BH-4-deficient, C; Phenylketonuria type 2. Identifiers: Orphanet 226, Orphanet 238583, MedGen C0268465, MONDO:0009862, OMIM 261630.
Inborn errors of metabolism. Also called: Inborn error of metabolism. Identifiers: Orphanet 68367, MedGen C0025521, MONDO:0019052.

Submissions (2):

North West Genomic Laboratory Hub, Manchester University NHS Foundation Trust
Classification: Pathogenic for Inborn error of metabolism. Last evaluated: 2026-01-13. Review status: criteria provided, single submitter. Criteria: ACGS Best Practice Guidelines for Variant Classification in Rare Disease 2024. Collection method: clinical testing. Allele origin: germline. Affected: yes.
Comment: PM3_Supp PVS1_VStr PM2_Mod

Labcorp Genetics (formerly Invitae), Labcorp
Classification: Pathogenic for Dihydropteridine reductase deficiency. Last evaluated: 2023-05-31. Review status: criteria provided, single submitter. Criteria: Invitae Variant Classification Sherloc (09022015). Collection method: clinical testing. Allele origin: germline.
Comment: This variant has not been reported in the literature in individuals affected with QDPR-related conditions. For these reasons, this variant has been classified as Pathogenic. This sequence change creates a premature translational stop signal (p.Ala175Glnfs*15) in the QDPR gene. It is expected to result in an absent or disrupted protein product. Loss-of-function variants in QDPR are known to be pathogenic (PMID: 7627180, 11153907). This variant is not present in population databases (gnomAD no frequency).

Literature cited by the submitters: PubMed 7627180 (cited by Labcorp Genetics (formerly Invitae), Labcorp); PubMed 11153907 (cited by Labcorp Genetics (formerly Invitae), Labcorp).